The following is an entry in ClinVar:

ClinVar aggregate classification (germline): Uncertain significance (1 of 4 stars; one submission).

gnomAD v4.1: 3 of 1,612,888 alleles (0.00019%); highest among the groups gnomAD compares: Non-Finnish European, 0.00025%; no homozygotes.

Submission:

Dasa
Classification: Uncertain significance. Last evaluated: 2024-12-19. Review status: criteria provided, single submitter. Criteria: DASA Assertion Criteria. Collection method: clinical testing. Allele origin: germline.
Comment: NM_001145809.2(MYH14):c.5099A>C (p.Glu1700Ala) is a missense variant that results in the substitution of glutamic acid with alanine. This variant is rare in population databases. Computational prediction algorithms are consistent with a deleterious effect. The currently available literature and clinical evidence are not sufficient to establish a definitive association between this variant and the reported condition. Therefore, this variant is classified as a variant of uncertain significance.

NM_001145809.2(MYH14):c.5099A>C (p.Glu1700Ala)

Gene: MYH14 (myosin heavy chain 14; plus strand). Cytogenetic location: 19q13.33.
Variant type: single nucleotide variant.
Coding change: c.5099A>C on transcript NM_001145809.2 (MANE Select); coding-DNA position 5099, A replaced by C.
Protein change: p.Glu1700Ala; replaces glutamic acid 1700 with alanine.
Molecular consequence: missense variant.
Genome position (GRCh38, 1-based): chr19:50,291,020, A>C. VCF-style: chr19-50291020-A-C. GRCh37 (hg19) VCF-style: chr19-50794277-A-C.
Other names: c.5000A>C, p.Glu1667Ala (NM_001077186.2); c.4976A>C, p.Glu1659Ala (NM_024729.4); short protein forms E1659A, E1667A, E1700A.
Identifiers: ClinVar variation 4886137 (VCV004886137.2).